The following is an entry in ClinVar:

NM_000179.3(MSH6):c.2246G>A (p.Gly749Glu)

Gene: MSH6 (mutS homolog 6; plus strand). Cytogenetic location: 2p16.3.
Variant type: single nucleotide variant.
Coding change: c.2246G>A on transcript NM_000179.3 (MANE Select); coding-DNA position 2246, G replaced by A.
Protein change: p.Gly749Glu; replaces glycine 749 with glutamic acid.
Molecular consequence: missense variant.
Genome position (GRCh38, 1-based): chr2:47,800,229, G>A. VCF-style: chr2-47800229-G-A. GRCh37 (hg19) VCF-style: chr2-48027368-G-A.
Other names: c.1856G>A, p.Gly619Glu (NM_001281492.2); c.1340G>A, p.Gly447Glu (NM_001281493.2, NM_001281494.2); short protein forms G749E, G619E, G447E.
Identifiers: ClinVar variation 410464 (VCV000410464.15), dbSNP rs1060502916, ClinGen allele CA16610924.
Genomic context (GRCh38, chr2:47,800,229, plus strand): 5'-CCTATCAACGAATGGTGCTAGATGCAGTGACATTAAACAACTTGGAGATTTTTCTGAATG[G>A]AACAAATGGTTCTACTGAAGGAACCCTACTAGAGAGGGTTGATACTTGCCATACTCCTTT-3'
Protein context (NP_000170.1, residues 739-759): TLNNLEIFLN[Gly749Glu]TNGSTEGTLL

ClinVar aggregate classification (germline): Uncertain significance. Review status: criteria provided, multiple submitters, no conflicts (2 of 4 stars). 2 submissions from 2 submitters: Uncertain significance (2). Last evaluated 2025-12-09.

Conditions:
Hereditary nonpolyposis colorectal neoplasms. Identifiers: MedGen C0009405, MeSH D003123.
Hereditary cancer-predisposing syndrome. Also called: Tumor predisposition; Hereditary Cancer Syndrome; Hereditary neoplastic syndrome; Neoplastic Syndromes, Hereditary. Identifiers: Orphanet 140162, MedGen C0027672, MeSH D009386, MONDO:0015356.

Allele frequency attached by ClinVar (database versions not stated): TOPMed 0.00001.
gnomAD v4.1: 9 of 1,614,152 alleles (0.00056%); highest among the groups gnomAD compares: Non-Finnish European, 0.00076%; no homozygotes.

Submissions (2):

Ambry Genetics
Classification: Uncertain significance for Hereditary cancer-predisposing syndrome. Last evaluated: 2025-12-09. Review status: criteria provided, single submitter. Criteria: Ambry Variant Classification Scheme 2023. Collection method: clinical testing. Allele origin: germline.
Comment: The p.G749E variant (also known as c.2246G>A), located in coding exon 4 of the MSH6 gene, results from a G to A substitution at nucleotide position 2246. The glycine at codon 749 is replaced by glutamic acid, an amino acid with similar properties. This amino acid position is well conserved in available vertebrate species. In addition, the in silico prediction for this alteration is inconclusive. In addition, the CoDP in silico tool predicts this alteration to have a major impact on molecular function, with a score of 0.876 (Terui H et al. J. Biomed. Sci. 2013 Apr;20:25). Since supporting evidence is limited at this time, the clinical significance of this alteration remains unclear.

Labcorp Genetics (formerly Invitae), Labcorp
Classification: Uncertain significance for Hereditary nonpolyposis colorectal neoplasms. Last evaluated: 2025-07-08. Review status: criteria provided, single submitter. Criteria: Invitae Variant Classification Sherloc (09022015). Collection method: clinical testing. Allele origin: germline.
Comment: This sequence change replaces glycine, which is neutral and non-polar, with glutamic acid, which is acidic and polar, at codon 749 of the MSH6 protein (p.Gly749Glu). This variant is not present in population databases (gnomAD no frequency). This variant has not been reported in the literature in individuals affected with MSH6-related conditions. ClinVar contains an entry for this variant (Variation ID: 410464). Invitae Evidence Modeling of protein sequence and biophysical properties (such as structural, functional, and spatial information, amino acid conservation, physicochemical variation, residue mobility, and thermodynamic stability) indicates that this missense variant is not expected to disrupt MSH6 protein function with a negative predictive value of 95%. In summary, the available evidence is currently insufficient to determine the role of this variant in disease. Therefore, it has been classified as a Variant of Uncertain Significance.